The following is an entry in ClinVar:

ClinVar aggregate classification (germline): Uncertain significance. Review status: criteria provided, multiple submitters, no conflicts (2 of 4 stars). 2 submissions from 2 submitters: Uncertain significance (2). Last evaluated 2026-06-01.

Conditions:
Episodic ataxia type 2 (EA2). Also called: ATAXIA, EPISODIC, WITH NYSTAGMUS; ATAXIA, FAMILIAL PAROXYSMAL; CEREBELLAR ATAXIA, PAROXYSMAL, ACETAZOLAMIDE-RESPONSIVE; CEREBELLOPATHY, HEREDITARY PAROXYSMAL; EPISODIC ATAXIA, NYSTAGMUS-ASSOCIATED; ACETAZOLAMIDE-RESPONSIVE HEREDITARY PAROXYSMAL CEREBELLAR ATAXIA. Identifiers: Orphanet 97, MedGen C1720416, MONDO:0007163, OMIM 108500.
Developmental and epileptic encephalopathy, 42 (DEE42A). Also called: EPILEPTIC ENCEPHALOPATHY, EARLY INFANTILE, 42A; DEVELOPMENTAL AND EPILEPTIC ENCEPHALOPATHY 42A; Epileptic encephalopathy, early infantile, 42. Identifiers: MedGen C4310716, MONDO:0014917, OMIM 617106.

Submissions (2):

CeGaT Center for Human Genetics Tuebingen
Classification: Uncertain significance. Last evaluated: 2026-06-01. Review status: criteria provided, single submitter. Criteria: CeGaT Center For Human Genetics Tuebingen Variant Classification Criteria Version 2. Collection method: clinical testing. Allele origin: germline. Affected: yes. Observed: 1 variant allele.
Comment: CACNA1A: PM2, PP3

Labcorp Genetics (formerly Invitae), Labcorp
Classification: Uncertain significance for Developmental and epileptic encephalopathy, 42; Episodic ataxia type 2. Last evaluated: 2024-02-07. Review status: criteria provided, single submitter. Criteria: Invitae Variant Classification Sherloc (09022015). Collection method: clinical testing. Allele origin: germline.
Comment: This sequence change replaces alanine, which is neutral and non-polar, with valine, which is neutral and non-polar, at codon 53 of the CACNA1A protein (p.Ala53Val). This variant is not present in population databases (gnomAD no frequency). This variant has not been reported in the literature in individuals affected with CACNA1A-related conditions. Advanced modeling of protein sequence and biophysical properties (such as structural, functional, and spatial information, amino acid conservation, physicochemical variation, residue mobility, and thermodynamic stability) performed at Invitae indicates that this missense variant is expected to disrupt CACNA1A protein function with a positive predictive value of 95%. In summary, the available evidence is currently insufficient to determine the role of this variant in disease. Therefore, it has been classified as a Variant of Uncertain Significance.

NM_001127222.2(CACNA1A):c.158C>T (p.Ala53Val)

Gene: CACNA1A (calcium voltage-gated channel subunit alpha1 A; minus strand). Cytogenetic location: 19p13.13.
Variant type: single nucleotide variant.
Coding change: c.158C>T on transcript NM_001127222.2 (MANE Select); coding-DNA position 158, C replaced by T.
Protein change: p.Ala53Val; replaces alanine 53 with valine.
Molecular consequence: missense variant.
Genome position (GRCh38, 1-based): chr19:13,506,067, G>A on the plus strand (C>T on the coding strand, the complement: CACNA1A is on the minus strand). VCF-style: chr19-13506067-G-A. GRCh37 (hg19) VCF-style: chr19-13616881-G-A.
Other names: c.158C>T, p.Ala53Val (NM_000068.4, NM_001127221.2, NM_001174080.2 and 1 more transcripts); short protein forms A53V.
Identifiers: ClinVar variation 3754174 (VCV003754174.4).
Genomic context (GRCh38, chr19:13,506,067, plus strand): 5'-GTGAGGCAGTTCTGTCGGACGGGGATGGGGTTGTAGAGTGCCATGGTCCGCGCTCTCTGC[G>A]CCATTGACTGCTTGTACATCCTTTGCGCCCCGGGCTGCCCGCCCTGCCGGCTGCCCCCGG-3'
Protein context (NP_001120694.1, residues 43-63): GAQRMYKQSM[Ala53Val]QRARTMALYN